The following is an entry in ClinVar:

NM_000090.4(COL3A1):c.334-186C>T

Gene: COL3A1 (collagen type III alpha 1 chain; plus strand). Cytogenetic location: 2q32.2.
Variant type: single nucleotide variant.
Coding change: c.334-186C>T on transcript NM_000090.4 (MANE Select); 186 bases into the intron before coding-DNA position 334, C replaced by T.
Molecular consequence: intron variant.
Genome position (GRCh38, 1-based): chr2:188,985,479, C>T. VCF-style: chr2-188985479-C-T. GRCh37 (hg19) VCF-style: chr2-189850205-C-T.
Identifiers: ClinVar variation 675681 (VCV000675681.1), dbSNP rs80263080, ClinGen allele CA62586001.
Genomic context (GRCh38, chr2:188,985,479, plus strand): 5'-TTTCCCAAACTTCATATTATGTCTTCACCCCCATGATCAGTTTAAAGAAAATGTGTAGGT[C>T]AATATACAAAGGAATACATTATACTTAAATTATTCACAAGATTTTGATTAAAAAGTATGT-3'

ClinVar aggregate classification (germline): Likely benign (1 of 4 stars; one submission).

Allele frequency attached by ClinVar (database versions not stated): 1000 Genomes Project 0.00260; 1000 Genomes Project 30x 0.00265; TOPMed 0.00841; gnomAD 0.00908 and 0.00937.
gnomAD v4.1: 1,373 of 151,802 alleles (0.9%); highest among the groups gnomAD compares: Non-Finnish European, 1.5%; 11 homozygotes.

Submission:

GeneDx
Classification: Likely benign. Last evaluated: 2018-06-14. Review status: criteria provided, single submitter. Criteria: GeneDx Variant Classification (06012015). Collection method: clinical testing. Allele origin: germline. Affected: yes.
Comment: This variant is considered likely benign or benign based on one or more of the following criteria: it is a conservative change, it occurs at a poorly conserved position in the protein, it is predicted to be benign by multiple in silico algorithms, and/or has population frequency not consistent with disease.